The following is an entry in ClinVar:

NM_000969.5(RPL5):c.608dup (p.Asn203fs)

Genes: DIPK1A (divergent protein kinase domain 1A; minus strand), RPL5 (ribosomal protein L5; plus strand). Cytogenetic location: 1p22.1.
Variant type: Duplication.
Coding change: c.608dup on transcript NM_000969.5 (MANE Select); coding-DNA position 608, one base duplicated (A; older notation c.608dupA).
Protein change: p.Asn203fs; shifts the reading frame from asparagine 203.
Molecular consequence: frameshift variant. On other transcripts: non-coding transcript variant (1), intron variant (1).
Genome position (GRCh38, 1-based): chr1:92,837,536, A duplicated; the last of 2 consecutive A bases (chr1:92,837,535-92,837,536); duplicating either gives the same sequence. VCF-style (leftmost placement, unchanged base first): chr1-92837534-G-GA. GRCh37 (hg19) VCF-style: chr1-93303091-G-GA.
Other names: c.475-4501dup (NM_001252273.2); short protein forms N203fs.
Identifiers: ClinVar variation 1383221 (VCV001383221.8), dbSNP rs2100688383, ClinGen allele CA2573132665.
Genomic context (GRCh38, chr1:92,837,534, plus strand): 5'-TTATGATTCTGAAAGCAAGGAATTTAATGCAGAAGTACATCGGAAGCACATCATGGGCCA[G>GA]AATGTTGCAGATTACATGCGCTACTTAATGGAAGAAGATGAAGATGCTTACAAGAAACAG-3'

ClinVar aggregate classification (germline): Pathogenic (1 of 4 stars; one submission).

Conditions:
Diamond-Blackfan anemia. Also called: Blackfan Diamond syndrome; Aregenerative anemia chronic congenital; Red cell aplasia, pure hereditary; Congenital hypoplastic anemia; Aase syndrome. Identifiers: Orphanet 124, MedGen C1260899, MeSH D029503, MONDO:0015253, HP:0004810.

Submission:

Labcorp Genetics (formerly Invitae), Labcorp
Classification: Pathogenic for Diamond-Blackfan anemia. Last evaluated: 2022-01-27. Review status: criteria provided, single submitter. Criteria: Invitae Variant Classification Sherloc (09022015). Collection method: clinical testing. Allele origin: germline.
Comment: For these reasons, this variant has been classified as Pathogenic. This variant has not been reported in the literature in individuals affected with RPL5-related conditions. This variant is not present in population databases (gnomAD no frequency). This sequence change creates a premature translational stop signal (p.Asn203Lysfs*14) in the RPL5 gene. It is expected to result in an absent or disrupted protein product. Loss-of-function variants in RPL5 are known to be pathogenic (PMID: 19061985, 19773262).

Literature cited by the submitters: PubMed 19061985; PubMed 19773262.